The following is an entry in ClinVar:

NM_002692.4(POLE2):c.913C>T (p.Arg305Cys)

Gene: POLE2 (DNA polymerase epsilon 2, accessory subunit; minus strand). Cytogenetic location: 14q21.3.
Variant type: single nucleotide variant.
Coding change: c.913C>T on transcript NM_002692.4 (MANE Select); coding-DNA position 913, C replaced by T.
Protein change: p.Arg305Cys; replaces arginine 305 with cysteine.
Molecular consequence: missense variant.
Genome position (GRCh38, 1-based): chr14:49,655,686, G>A on the plus strand (C>T on the coding strand, the complement: POLE2 is on the minus strand). VCF-style: chr14-49655686-G-A. GRCh37 (hg19) VCF-style: chr14-50122404-G-A.
Other names: c.835C>T, p.Arg279Cys (NM_001197330.2); c.913C>T, p.Arg305Cys (NM_001197331.3, NM_001348384.2); c.682C>T, p.Arg228Cys (NM_001348385.2); short protein forms R228C, R279C, R305C.
Identifiers: ClinVar variation 3935806 (VCV003935806.2).

ClinVar aggregate classification (germline): Uncertain significance. Review status: criteria provided, multiple submitters, no conflicts (2 of 4 stars). 2 submissions from 2 submitters: Uncertain significance (2). Last evaluated 2025-08-06.

gnomAD v4.1: 8 of 1,607,168 alleles (0.0005%); highest among the groups gnomAD compares: East Asian, 0.0045%; no homozygotes.

Submissions (2):

Labcorp Genetics (formerly Invitae), Labcorp
Classification: Uncertain significance. Last evaluated: 2025-08-06. Review status: criteria provided, single submitter. Criteria: Invitae Variant Classification Sherloc (09022015). Collection method: clinical testing. Allele origin: germline.
Comment: This sequence change replaces arginine, which is basic and polar, with cysteine, which is neutral and slightly polar, at codon 305 of the POLE2 protein (p.Arg305Cys). The frequency data for this variant in the population databases is considered unreliable, as metrics indicate poor data quality at this position in the gnomAD database. This variant has not been reported in the literature in individuals affected with POLE2-related conditions. ClinVar contains an entry for this variant (Variation ID: 3935806). An algorithm developed to predict the effect of missense changes on protein structure and function (PolyPhen-2) suggests that this variant is likely to be tolerated. In summary, the available evidence is currently insufficient to determine the role of this variant in disease. Therefore, it has been classified as a Variant of Uncertain Significance.

Ambry Genetics
Classification: Uncertain significance. Last evaluated: 2025-03-15. Review status: criteria provided, single submitter. Criteria: Ambry Variant Classification Scheme 2023. Collection method: clinical testing. Allele origin: germline.